The following is an entry in ClinVar:

ClinVar aggregate classification (germline): Uncertain significance (1 of 4 stars; one submission).

Submission:

Labcorp Genetics (formerly Invitae), Labcorp
Classification: Uncertain significance. Last evaluated: 2021-12-11. Review status: criteria provided, single submitter. Criteria: Invitae Variant Classification Sherloc (09022015). Collection method: clinical testing. Allele origin: germline.
Comment: This sequence change falls in intron 4 of the AP2S1 gene. It does not directly change the encoded amino acid sequence of the AP2S1 protein. In summary, the available evidence is currently insufficient to determine the role of this variant in disease. Therefore, it has been classified as a Variant of Uncertain Significance. Algorithms developed to predict the effect of sequence changes on RNA splicing suggest that this variant may create or strengthen a splice site. This variant has not been reported in the literature in individuals affected with AP2S1-related conditions. This variant is present in population databases (no rsID available, gnomAD 0.003%).

NM_004069.6(AP2S1):c.328-29_328-9dup

Gene: AP2S1 (adaptor related protein complex 2 subunit sigma 1; minus strand). Cytogenetic location: 19q13.32.
Variant type: Duplication.
Coding change: c.328-29_328-9dup on transcript NM_004069.6 (MANE Select); 29 bases into the intron before coding-DNA position 328 through 9 bases into the intron before coding-DNA position 328, 21 bases duplicated (GTCTCACCCCAGGGTCTCCCC).
Molecular consequence: intron variant.
Genome position (GRCh38, 1-based): chr19:46,838,557-46,838,577, GGGGAGACCCTGGGGTGAGAC duplicated on the plus strand (GTCTCACCCCAGGGTCTCCCC on the coding strand, the reverse complement: AP2S1 is on the minus strand); duplicating any 21 consecutive bases within chr19:46,838,557-46,838,578 gives the same sequence; the c. name uses the placement nearest the transcript's 3' end. VCF-style (leftmost placement, unchanged base first): chr19-46838556-A-AGGGGAGACCCTGGGGTGAGAC. GRCh37 (hg19) VCF-style: chr19-47341813-A-AGGGGAGACCCTGGGGTGAGAC.
Other names: c.214-29_214-9dup (NM_021575.5); c.370-29_370-9dup (NM_001301078.3); c.334-29_334-9dup (NM_001301081.3); c.376-29_376-9dup (NM_001301076.3).
Identifiers: ClinVar variation 2169264 (VCV002169264.4), dbSNP rs1409640128, ClinGen allele CA633418690.